The following is an entry in ClinVar:

NM_004366.6(CLCN2):c.602C>T (p.Pro201Leu)

Gene: CLCN2 (chloride voltage-gated channel 2; minus strand). Cytogenetic location: 3q27.1.
Variant type: single nucleotide variant.
Coding change: c.602C>T on transcript NM_004366.6 (MANE Select); coding-DNA position 602, C replaced by T.
Protein change: p.Pro201Leu; replaces proline 201 with leucine.
Molecular consequence: missense variant.
Genome position (GRCh38, 1-based): chr3:184,357,975, G>A on the plus strand (C>T on the coding strand, the complement: CLCN2 is on the minus strand). VCF-style: chr3-184357975-G-A. GRCh37 (hg19) VCF-style: chr3-184075763-G-A.
Other names: c.602C>T, p.Pro201Leu (NM_001171087.3, NM_001171089.3); c.470C>T, p.Pro157Leu (NM_001171088.3); short protein forms P157L, P201L.
Identifiers: ClinVar variation 3236410 (VCV003236410.4), dbSNP rs750040380, ClinGen allele CA2734454.

ClinVar aggregate classification (germline): Uncertain significance. Review status: criteria provided, multiple submitters, no conflicts (2 of 4 stars). 3 submissions from 3 submitters: Uncertain significance (3). Last evaluated 2025-07-06.

Conditions:
Epilepsy, idiopathic generalized, susceptibility to, 11 (EIG11). Identifiers: Orphanet 307, MedGen C2750893, MONDO:0011875, OMIM 607628.
Familial hyperaldosteronism type II. Also called: FH II. Identifiers: Orphanet 404, MedGen C1854107, MONDO:0011576, OMIM 605635.
Leukoencephalopathy with mild cerebellar ataxia and white matter edema (LKPAT). Also called: Leukoencephalopathy with ataxia; Leukoencephalopathy with white matter edema; Brain white matter edema; CLCN2-Related Leukoencephalopathy. Identifiers: Orphanet 363540, MedGen C4554120, MONDO:0014292, OMIM 615651. Disease mechanism: loss of function.

Allele frequency attached by ClinVar (database versions not stated): ExAC 0.00001.

Submissions (3):

Labcorp Genetics (formerly Invitae), Labcorp
Classification: Uncertain significance. Last evaluated: 2025-07-06. Review status: criteria provided, single submitter. Criteria: Invitae Variant Classification Sherloc (09022015). Collection method: clinical testing. Allele origin: germline.
Comment: This sequence change replaces proline, which is neutral and non-polar, with leucine, which is neutral and non-polar, at codon 201 of the CLCN2 protein (p.Pro201Leu). This variant is present in population databases (rs750040380, gnomAD 0.02%). This variant has not been reported in the literature in individuals affected with CLCN2-related conditions. ClinVar contains an entry for this variant (Variation ID: 3236410). Invitae Evidence Modeling of protein sequence and biophysical properties (such as structural, functional, and spatial information, amino acid conservation, physicochemical variation, residue mobility, and thermodynamic stability) indicates that this missense variant is expected to disrupt CLCN2 protein function with a positive predictive value of 80%. In summary, the available evidence is currently insufficient to determine the role of this variant in disease. Therefore, it has been classified as a Variant of Uncertain Significance.

Fulgent Genetics
Classification: Uncertain significance for Familial hyperaldosteronism type II; Epilepsy, idiopathic generalized, susceptibility to, 11; Leukoencephalopathy with mild cerebellar ataxia and white matter edema. Last evaluated: 2024-06-19. Review status: criteria provided, single submitter. Criteria: ACMG Guidelines, 2015. Collection method: clinical testing. Allele origin: germline.

Neuberg Centre For Genomic Medicine, NCGM
Classification: Uncertain significance for Leukoencephalopathy with mild cerebellar ataxia and white matter edema. Review status: criteria provided, single submitter. Criteria: ACMG Guidelines, 2015. Collection method: clinical testing. Allele origin: germline. Inheritance: Autosomal recessive inheritance. Affected: yes.
Comment: The missense c.602C>Tp.Pro201Leu variant in CLCN2 gene has not been reported previously as a pathogenic variant nor as a benign variant, to our knowledge. The variant has been reported with allele frequency of 0.002% in gnomAD Exomes and is novel not in any individuals in 1000 Genomes database. This variant has not been reported to the ClinVar database. The amino acid change p.Pro201Leu in CLCN2 is predicted as conserved by GERP++ and PhyloP across 100 vertebrates. The amino acid Pro at position 201 is changed to a Leu changing protein sequence and it might alter its composition and physico-chemical properties. For these reasons, this variant has been classified as Variant of Uncertain Significance VUS.